The following is an entry in ClinVar:

NM_006846.4(SPINK5):c.2564T>C (p.Met855Thr)

Gene: SPINK5 (serine peptidase inhibitor Kazal type 5; plus strand). Cytogenetic location: 5q32.
Variant type: single nucleotide variant.
Coding change: c.2564T>C on transcript NM_006846.4 (MANE Select); coding-DNA position 2564, T replaced by C.
Protein change: p.Met855Thr; replaces methionine 855 with threonine.
Molecular consequence: missense variant.
Genome position (GRCh38, 1-based): chr5:148,123,858, T>C. VCF-style: chr5-148123858-T-C. GRCh37 (hg19) VCF-style: chr5-147503421-T-C.
Other names: c.2564T>C, p.Met855Thr (NM_001127698.2, NM_001127699.2); short protein forms M855T.
Identifiers: ClinVar variation 1521486 (VCV001521486.3), dbSNP rs765056653, ClinGen allele CA3496040.

ClinVar aggregate classification (germline): Uncertain significance (1 of 4 stars; one submission).

Conditions:
Netherton syndrome (NETH). Also called: NETHERTON DISEASE; ERYTHRODERMA, ICHTHYOSIFORM, WITH HYPOTRICHOSIS AND HYPER-IgE; COMEL-NETHERTON SYNDROME. Identifiers: Orphanet 634, MedGen C5574950, MONDO:0009735, OMIM 256500.

Allele frequency attached by ClinVar (database versions not stated): gnomAD 0.00001; TOPMed 0.00001; gnomAD exomes 0.00002 and 0.00003; ExAC 0.00003.
gnomAD v4.1: 49 of 1,613,886 alleles (0.003%); highest among the groups gnomAD compares: East Asian, 0.0045%; no homozygotes.

Submission:

Labcorp Genetics (formerly Invitae), Labcorp
Classification: Uncertain significance for Ichthyosis linearis circumflexa. Last evaluated: 2022-08-16. Review status: criteria provided, single submitter. Criteria: Invitae Variant Classification Sherloc (09022015). Collection method: clinical testing. Allele origin: germline.
Comment: This sequence change replaces methionine, which is neutral and non-polar, with threonine, which is neutral and polar, at codon 855 of the SPINK5 protein (p.Met855Thr). This variant is present in population databases (rs765056653, gnomAD 0.01%). This variant has not been reported in the literature in individuals affected with SPINK5-related conditions. ClinVar contains an entry for this variant (Variation ID: 1521486). Algorithms developed to predict the effect of missense changes on protein structure and function are either unavailable or do not agree on the potential impact of this missense change (SIFT: "Deleterious"; PolyPhen-2: "Benign"; Align-GVGD: "Class C0"). In summary, the available evidence is currently insufficient to determine the role of this variant in disease. Therefore, it has been classified as a Variant of Uncertain Significance.